The following is an entry in ClinVar:

ClinVar aggregate classification (germline): Uncertain significance (1 of 4 stars; one submission).

Conditions:
Inborn genetic diseases. Identifiers: MedGen C0950123, MeSH D030342.

Submission:

Ambry Genetics
Classification: Uncertain significance for Inborn genetic diseases. Last evaluated: 2024-06-27. Review status: criteria provided, single submitter. Criteria: Ambry Variant Classification Scheme 2023. Collection method: clinical testing. Allele origin: germline.
Comment: The p.C749R variant (also known as c.2245T>C), located in coding exon 19 of the LRRK2 gene, results from a T to C substitution at nucleotide position 2245. The cysteine at codon 749 is replaced by arginine, an amino acid with highly dissimilar properties. This amino acid position is conserved. In addition, this alteration is predicted to be deleterious by in silico analysis. Based on the available evidence, the clinical significance of this variant remains unclear.

NM_198578.4(LRRK2):c.2245T>C (p.Cys749Arg)

Gene: LRRK2 (leucine rich repeat kinase 2; plus strand). Cytogenetic location: 12q12.
Variant type: single nucleotide variant.
Coding change: c.2245T>C on transcript NM_198578.4 (MANE Select); coding-DNA position 2245, T replaced by C.
Protein change: p.Cys749Arg; replaces cysteine 749 with arginine.
Molecular consequence: missense variant.
Genome position (GRCh38, 1-based): chr12:40,283,878, T>C. VCF-style: chr12-40283878-T-C. GRCh37 (hg19) VCF-style: chr12-40677680-T-C.
Other names: short protein forms C749R.
Identifiers: ClinVar variation 3540539 (VCV003540539.1).